The following is an entry in ClinVar:

ClinVar aggregate classification (germline): Likely pathogenic (1 of 4 stars; one submission).

Conditions:
Neurodevelopmental disorder with or without autism or seizures (NEDAUS). Identifiers: MedGen C5543225, MONDO:0030994, OMIM 619239.

Submission:

CGC Genetics, Unilabs
Classification: Likely pathogenic for Neurodevelopmental disorder with or without autism or seizures. Last evaluated: 2025-10-31. Review status: criteria provided, single submitter. Criteria: ACMG Guidelines, 2015. Collection method: clinical testing. Allele origin: germline. Inheritance: Autosomal dominant inheritance. Affected: yes. Observed: 1 variant allele.
Comment: The NM_003590.5:c.1333del p.(Ser445Valfs*10) variant, detected in heterozygosity in exon 9 (of 16) of the CUL3 gene (chr.2), is notdescribed in the literature or in the gnomAD population database. Given its nature (frameshift), it is expected tointroduce a premature stop codon and consequently produce a truncated protein and/or loss of expression due tomRNA degradation. Based on the information currently available, this should be classified as a likely pathogenic variant.

NM_003590.5(CUL3):c.1333del (p.Ser445fs)

Gene: CUL3 (cullin 3; minus strand). Cytogenetic location: 2q36.2.
Variant type: Deletion.
Coding change: c.1333del on transcript NM_003590.5 (MANE Select); coding-DNA position 1333, one base deleted (A; older notation c.1333delA).
Protein change: p.Ser445fs; shifts the reading frame from serine 445.
Molecular consequence: frameshift variant.
Genome position (GRCh38, 1-based): chr2:224,503,696, T deleted on the plus strand (A on the coding strand, the reverse complement: CUL3 is on the minus strand); the first of 4 consecutive T bases (chr2:224,503,696-224,503,699); deleting any one gives the same sequence. VCF-style (leftmost placement, unchanged base first): chr2-224503695-CT-C. GRCh37 (hg19) VCF-style: chr2-225368412-CT-C.
Other names: c.1135del, p.Ser379fs (NM_001257197.2); c.1351del, p.Ser451fs (NM_001257198.2); short protein forms S379fs, S445fs, S451fs.
Identifiers: ClinVar variation 4851583 (VCV004851583.1).